The following is an entry in ClinVar:

ClinVar aggregate classification (germline): Pathogenic. Review status: criteria provided, multiple submitters, no conflicts (2 of 4 stars). 3 submissions from 3 submitters: Pathogenic (3). Last evaluated 2026-04-30.

Conditions:
Congenital myasthenic syndrome 5. Identifiers: Orphanet 590, MedGen C1864233, MONDO:0011281, OMIM 603034.
Congenital myasthenic syndrome (CMS). Also called: Congenital Myasthenic Syndromes. Identifiers: Orphanet 590, MedGen C0751882, MeSH D020294, MONDO:0018940.

Allele frequency attached by ClinVar (database versions not stated): gnomAD 0.00001; gnomAD exomes below 0.00001.
gnomAD v4.1: 6 of 1,611,154 alleles (0.00037%); highest among the groups gnomAD compares: East Asian, 0.0045%; no homozygotes.

Submissions (3):

Women's Health and Genetics/Laboratory Corporation of America, LabCorp
Classification: Pathogenic for Congenital myasthenic syndrome. Last evaluated: 2026-04-30. Review status: criteria provided, single submitter. Criteria: LabCorp Variant Classification Summary - May 2015. Collection method: clinical testing. Allele origin: germline.
Comment: Variant summary: COLQ c.1229G>A (p.Arg410Gln) results in a conservative amino acid change in the encoded protein sequence. Algorithms developed to predict the effect of missense changes on protein structure and function are either unavailable or do not agree on the potential impact of this missense change. The variant allele was found at a frequency of 4.1e-06 in 245968 control chromosomes. c.1229G>A has been observed in individuals affected with Congenital Myasthenic Syndrome (e.g. Ohno_2000, Kimbell_2004). These data indicate that the variant may be associated with disease. Experimental studies have shown that although the variant does not significantly prevent the assembly of the asymmetric enzyme, it inhibited insertion of ColQ into the synaptic basal lamina (e.g. Ohno_2000, Kimbell_2004). Additionally, a different variant affecting the same codon has been classified as pathogenic by our lab (c.1228C>T, p.Arg410Trp), supporting the critical relevance of codon 410 to COLQ protein function. The following publications have been ascertained in the context of this evaluation (PMID: 14702351, 10665486). ClinVar contains an entry for this variant (Variation ID: 938138). Based on the evidence outlined above, the variant was classified as pathogenic.

3billion
Classification: Pathogenic for Congenital myasthenic syndrome 5. Last evaluated: 2025-05-30. Review status: criteria provided, single submitter. Criteria: ACMG Guidelines, 2015. Collection method: clinical testing. Allele origin: germline. Affected: yes.
Comment: The variant is observed at an extremely low frequency in the gnomAD v4.1.0 dataset (total allele frequency: <0.001%). Predicted Consequence/Location: The variant is located in a mutational hot spot and/or well-established functional domain in which established pathogenic variants have been reported (PMID: 14702351). Missense variant. The majority of the known disease-causing variants of this gene are variants expected to result in premature termination of the protein. Functional studies provide strong evidence of the variant having a damaging effect on the gene or gene product (PMID: 14702351). The same nucleotide change resulting in the same amino acid change has been previously reported to be associated with COLQ-related disorder (ClinVar ID: VCV000938138 /PMID: 10665486). Different missense changes at the same codon (p.Arg410Pro, p.Arg410Trp) have been reported as pathogenic/likely pathogenic with strong evidence (ClinVar ID: VCV000381725 /PMID: 14702351, 22088788 /3billion dataset). Therefore, this variant is classified as Pathogenic according to the recommendation of ACMG/AMP guideline.

Labcorp Genetics (formerly Invitae), Labcorp
Classification: Pathogenic for Congenital myasthenic syndrome 5. Last evaluated: 2023-07-28. Review status: criteria provided, single submitter. Criteria: Invitae Variant Classification Sherloc (09022015). Collection method: clinical testing. Allele origin: germline.
Comment: The frequency data for this variant in the population databases is considered unreliable, as metrics indicate poor data quality at this position in the gnomAD database. For these reasons, this variant has been classified as Pathogenic. This variant disrupts the p.Arg410 amino acid residue in COLQ. Other variant(s) that disrupt this residue have been determined to be pathogenic (PMID: 21952943, 22088788, 25557462, 28024842, 30124556). This suggests that this residue is clinically significant, and that variants that disrupt this residue are likely to be disease-causing. Experimental studies have shown that this missense change affects COLQ function (PMID: 10665486, 14702351, 18567859). Advanced modeling of protein sequence and biophysical properties (such as structural, functional, and spatial information, amino acid conservation, physicochemical variation, residue mobility, and thermodynamic stability) performed at Invitae indicates that this missense variant is not expected to disrupt COLQ protein function. ClinVar contains an entry for this variant (Variation ID: 938138). This missense change has been observed in individuals with congenital myasthenic syndrome (PMID: 10665486, 14702351). This sequence change replaces arginine, which is basic and polar, with glutamine, which is neutral and polar, at codon 410 of the COLQ protein (p.Arg410Gln).

Literature cited by the submitters: PubMed 14702351 (cited by 3 submitters); PubMed 10665486 (cited by 3 submitters); PubMed 21952943 (cited by Labcorp Genetics (formerly Invitae), Labcorp); PubMed 22088788 (cited by Labcorp Genetics (formerly Invitae), Labcorp); PubMed 25557462 (cited by Labcorp Genetics (formerly Invitae), Labcorp); PubMed 28024842 (cited by Labcorp Genetics (formerly Invitae), Labcorp); PubMed 30124556 (cited by Labcorp Genetics (formerly Invitae), Labcorp); PubMed 18567859 (cited by Labcorp Genetics (formerly Invitae), Labcorp).

NM_005677.4(COLQ):c.1229G>A (p.Arg410Gln)

Gene: COLQ (collagen like tail subunit of asymmetric acetylcholinesterase; minus strand). Cytogenetic location: 3p25.1.
Variant type: single nucleotide variant.
Coding change: c.1229G>A on transcript NM_005677.4 (MANE Select); coding-DNA position 1229, G replaced by A.
Protein change: p.Arg410Gln; replaces arginine 410 with glutamine.
Molecular consequence: missense variant.
Genome position (GRCh38, 1-based): chr3:15,453,898, C>T on the plus strand (G>A on the coding strand, the complement: COLQ is on the minus strand). VCF-style: chr3-15453898-C-T. GRCh37 (hg19) VCF-style: chr3-15495405-C-T.
Other names: c.1199G>A, p.Arg400Gln (NM_080538.2); c.1127G>A, p.Arg376Gln (NM_080539.4); short protein forms R376Q, R410Q, R400Q.
Identifiers: ClinVar variation 938138 (VCV000938138.9), dbSNP rs1025361623, ClinGen allele CA70600400.